The following is an entry in ClinVar:

NM_001273.5(CHD4):c.4931T>C (p.Val1644Ala)

Genes: CHD4 (chromodomain helicase DNA binding protein 4; minus strand), CHD4-AS1 (CHD4 antisense RNA 1; plus strand). Cytogenetic location: 12p13.31.
Variant type: single nucleotide variant.
Coding change: c.4931T>C on transcript NM_001273.5 (MANE Select); coding-DNA position 4931, T replaced by C.
Protein change: p.Val1644Ala; replaces valine 1644 with alanine.
Molecular consequence: missense variant.
Genome position (GRCh38, 1-based): chr12:6,578,896, A>G on the plus strand (T>C on the coding strand, the complement: CHD4 is on the minus strand). VCF-style: chr12-6578896-A-G. GRCh37 (hg19) VCF-style: chr12-6688062-A-G.
Other names: c.4910T>C, p.Val1637Ala (NM_001297553.2); c.4898T>C, p.Val1633Ala (NM_001363606.2); short protein forms V1637A, V1633A, V1644A.
Identifiers: ClinVar variation 4761144 (VCV004761144.1).

ClinVar aggregate classification (germline): Uncertain significance (1 of 4 stars; one submission).

Submission:

Labcorp Genetics (formerly Invitae), Labcorp
Classification: Uncertain significance. Last evaluated: 2025-04-17. Review status: criteria provided, single submitter. Criteria: Invitae Variant Classification Sherloc (09022015). Collection method: clinical testing. Allele origin: germline.
Comment: This sequence change replaces valine, which is neutral and non-polar, with alanine, which is neutral and non-polar, at codon 1644 of the CHD4 protein (p.Val1644Ala). This variant is not present in population databases (gnomAD no frequency). This variant has not been reported in the literature in individuals affected with CHD4-related conditions. Invitae Evidence Modeling of protein sequence and biophysical properties (such as structural, functional, and spatial information, amino acid conservation, physicochemical variation, residue mobility, and thermodynamic stability) indicates that this missense variant is not expected to disrupt CHD4 protein function with a negative predictive value of 80%. In summary, the available evidence is currently insufficient to determine the role of this variant in disease. Therefore, it has been classified as a Variant of Uncertain Significance.